The following is an entry in ClinVar:

NM_004637.6(RAB7A):c.415G>A (p.Ala139Thr)

Gene: RAB7A (RAB7A, member RAS oncogene family; plus strand). Cytogenetic location: 3q21.3.
Variant type: single nucleotide variant.
Coding change: c.415G>A on transcript NM_004637.6 (MANE Select); coding-DNA position 415, G replaced by A.
Protein change: p.Ala139Thr; replaces alanine 139 with threonine.
Molecular consequence: missense variant.
Genome position (GRCh38, 1-based): chr3:128,807,558, G>A. VCF-style: chr3-128807558-G-A. GRCh37 (hg19) VCF-style: chr3-128526401-G-A.
Other names: short protein forms A139T.
Identifiers: ClinVar variation 4862817 (VCV004862817.1).

ClinVar aggregate classification (germline): Uncertain significance (1 of 4 stars; one submission).

Conditions:
Inborn genetic diseases. Identifiers: MedGen C0950123, MeSH D030342.

Submission:

Ambry Genetics
Classification: Uncertain significance for Inborn genetic diseases. Last evaluated: 2026-04-11. Review status: criteria provided, single submitter. Criteria: Ambry Variant Classification Scheme 2023. Collection method: clinical testing. Allele origin: germline.
Comment: The c.415G>A (p.A139T) alteration is located in exon 5 (coding exon 4) of the RAB7A gene. This alteration results from a G to A substitution at nucleotide position 415, causing the alanine (A) at amino acid position 139 to be replaced by a threonine (T). Based on data from gnomAD, the A allele has an overall frequency of <0.001% (1/251302) total alleles studied. The highest observed frequency was 0.001% (1/113602) of European (non-Finnish) alleles. Based on insufficient or conflicting evidence, the clinical significance of this alteration remains unclear.